The following is an entry in ClinVar:

NM_153460.4(IL17RC):c.841_844dup (p.Ser282Ter)

Gene: IL17RC (interleukin 17 receptor C; plus strand). Cytogenetic location: 3p25.3.
Variant type: Duplication.
Coding change: c.841_844dup on transcript NM_153460.4 (MANE Select); coding-DNA positions 841 to 844, 4 bases duplicated (GACT; older notation c.841_844dupGACT).
Protein change: p.Ser282Ter; replaces serine 282 with a stop codon.
Molecular consequence: nonsense. On other transcripts: non-coding transcript variant (1).
Genome position (GRCh38, 1-based): chr3:9,928,184-9,928,187, GACT duplicated; duplicating any 4 consecutive bases within chr3:9,928,182-9,928,187 gives the same sequence; the c. name uses the placement nearest the transcript's 3' end. VCF-style (leftmost placement, unchanged base first): chr3-9928181-C-CCTGA. GRCh37 (hg19) VCF-style: chr3-9969865-C-CCTGA.
Other names: c.841_844dup, p.Ser282Ter (NM_001203263.2, NM_001203264.2); c.796_799dup, p.Ser267Ter (NM_001203265.2, NM_001367280.1, NM_001410711.1 and 1 more transcripts); c.802_805dup, p.Ser269Ter (NM_001367278.1); c.721_724dup, p.Ser242Ter (NM_001367279.1); c.1054_1057dup, p.Ser353Ter (NM_153461.4); short protein forms S269*, S282*, S353*, S242*, S267*.
Identifiers: ClinVar variation 4718613 (VCV004718613.1).

ClinVar aggregate classification (germline): Uncertain significance (1 of 4 stars; one submission).

Conditions:
Candidiasis, familial, 9 (CANDF9). Identifiers: Orphanet 1334, MedGen C4225324, MONDO:0014642, OMIM 616445.

Submission:

Labcorp Genetics (formerly Invitae), Labcorp
Classification: Uncertain significance for Candidiasis, familial, 9. Last evaluated: 2026-01-05. Review status: criteria provided, single submitter. Criteria: Invitae Variant Classification Sherloc (09022015). Collection method: clinical testing. Allele origin: germline.
Comment: This sequence change creates a premature translational stop signal (p.Ser353*) in the IL17RC gene. It is expected to result in an absent or disrupted protein product. However, the current clinical and genetic evidence is not sufficient to establish whether loss-of-function variants in IL17RC cause disease. This variant is not present in population databases (gnomAD no frequency). This variant has not been reported in the literature in individuals affected with IL17RC-related conditions. In summary, the available evidence is currently insufficient to determine the role of this variant in disease. Therefore, it has been classified as a Variant of Uncertain Significance.